The following is an entry in ClinVar:

NM_001395656.1(ROBO2):c.760C>G (p.Pro254Ala)

Gene: ROBO2 (roundabout guidance receptor 2; plus strand). Cytogenetic location: 3p12.3.
Variant type: single nucleotide variant.
Coding change: c.760C>G on transcript NM_001395656.1 (MANE Select); coding-DNA position 760, C replaced by G.
Protein change: p.Pro254Ala; replaces proline 254 with alanine.
Molecular consequence: missense variant. On other transcripts: 5 prime UTR variant (1).
Genome position (GRCh38, 1-based): chr3:77,493,336, C>G. VCF-style: chr3-77493336-C-G. GRCh37 (hg19) VCF-style: chr3-77542487-C-G.
Other names: c.808C>G, p.Pro270Ala (NM_001128929.3, NM_001378190.1, NM_001378191.1 and 5 more transcripts); c.760C>G, p.Pro254Ala (NM_001290039.2, NM_001290040.2, NM_001378193.1 and 3 more transcripts); c.-1159C>G (NM_001290065.2); c.829C>G, p.Pro277Ala (NM_001378192.1, NM_001378194.1, NM_001378198.1 and 5 more transcripts); short protein forms P254A, P270A, P277A.
Identifiers: ClinVar variation 995960 (VCV000995960.2), dbSNP rs772503893, ClinGen allele CA2496825.
Genomic context (GRCh38, chr3:77,493,336, plus strand): 5'-CAGGTGGTACTGGAGGAAGAAGCTGTAGAATTTCGTTGTCAAGTCCAAGGAGATCCTCAA[C>G]CAACTGTGAGGTGGAAAAAGGATGATGCAGACTTGCCAAGAGGAAGGTAAGACCAACATA-3'
Protein context (NP_001382585.1, residues 244-264): FRCQVQGDPQ[Pro254Ala]TVRWKKDDAD

ClinVar aggregate classification (germline): Uncertain significance (1 of 4 stars; one submission).

Conditions:
Congenital anomaly of kidney and urinary tract. Also called: Congenital anomalies of the kidney and urinary tract; Congenital anomalies of kidney and urinary tract. Identifiers: Orphanet 93545, MedGen C1968949, MeSH C566906, MONDO:0019719.

Allele frequency attached by ClinVar (database versions not stated): ExAC 0.00002.
gnomAD v4.1: 3 of 1,613,754 alleles (0.00019%); highest among the groups gnomAD compares: Non-Finnish European, 0.00025%; no homozygotes.

Submission:

Institute of Human Genetics, University of Leipzig Medical Center
Classification: Uncertain significance for Congenital anomaly of kidney and urinary tract. Last evaluated: 2021-01-09. Review status: criteria provided, single submitter. Criteria: ACMG Guidelines, 2015. Collection method: curation. Allele origin: germline. Inheritance: Autosomal dominant inheritance. Affected: yes.
Comment: This ROBO2 variant was reported as Likely pathogenicâ€‹ in PMID: 24429398 with original nomenclature reported as c.808C>G, p.P270A. Variant was re-classified as Uncertain Significance based on the criteria PM2_Supporting, PP3_Supporting.

Literature cited by the submitters: PubMed 24429398.